The following is an entry in ClinVar:

NM_015909.4(NBAS):c.2381A>G (p.His794Arg)

Gene: NBAS (NBAS subunit of NRZ tethering complex; minus strand). Cytogenetic location: 2p24.3.
Variant type: single nucleotide variant.
Coding change: c.2381A>G on transcript NM_015909.4 (MANE Select); coding-DNA position 2381, A replaced by G.
Protein change: p.His794Arg; replaces histidine 794 with arginine.
Molecular consequence: missense variant. On other transcripts: non-coding transcript variant (1).
Genome position (GRCh38, 1-based): chr2:15,427,753, T>C on the plus strand (A>G on the coding strand, the complement: NBAS is on the minus strand). VCF-style: chr2-15427753-T-C. GRCh37 (hg19) VCF-style: chr2-15567877-T-C.
Other names: short protein forms H794R.
Identifiers: ClinVar variation 2171604 (VCV002171604.2), dbSNP rs978091632, ClinGen allele CA42634228.

ClinVar aggregate classification (germline): Uncertain significance (1 of 4 stars; one submission).

Allele frequency attached by ClinVar (database versions not stated): gnomAD exomes 0.00001; gnomAD 0.00002; TOPMed 0.00002.
gnomAD v4.1: 12 of 1,613,516 alleles (0.00074%); highest among the groups gnomAD compares: African/African-American, 0.0013%; no homozygotes.

Submission:

Labcorp Genetics (formerly Invitae), Labcorp
Classification: Uncertain significance. Last evaluated: 2025-05-19. Review status: criteria provided, single submitter. Criteria: Invitae Variant Classification Sherloc (09022015). Collection method: clinical testing. Allele origin: germline.
Comment: This sequence change replaces histidine, which is basic and polar, with arginine, which is basic and polar, at codon 794 of the NBAS protein (p.His794Arg). This variant is present in population databases (no rsID available, gnomAD 0.0009%). This variant has not been reported in the literature in individuals affected with NBAS-related conditions. ClinVar contains an entry for this variant (Variation ID: 2171604). Invitae Evidence Modeling of protein sequence and biophysical properties (such as structural, functional, and spatial information, amino acid conservation, physicochemical variation, residue mobility, and thermodynamic stability) indicates that this missense variant is not expected to disrupt NBAS protein function with a negative predictive value of 95%. In summary, the available evidence is currently insufficient to determine the role of this variant in disease. Therefore, it has been classified as a Variant of Uncertain Significance.